The following is an entry in ClinVar:

NM_004656.4(BAP1):c.1730-1G>C

Gene: BAP1 (BRCA1 associated deubiquitinase 1; minus strand). Cytogenetic location: 3p21.1.
Variant type: single nucleotide variant.
Coding change: c.1730-1G>C on transcript NM_004656.4 (MANE Select); the canonical splice acceptor site of the intron before coding-DNA position 1730, G replaced by C.
Molecular consequence: splice acceptor variant.
Genome position (GRCh38, 1-based): chr3:52,403,299, C>G on the plus strand (G>C on the coding strand, the complement: BAP1 is on the minus strand). VCF-style: chr3-52403299-C-G. GRCh37 (hg19) VCF-style: chr3-52437315-C-G.
Other names: c.1676-1G>C (NM_001410772.1); c.1730-1G>C (NM_004656.2).
Identifiers: ClinVar variation 1493084 (VCV001493084.10), dbSNP rs1559586168, ClinGen allele CA353099390.

ClinVar aggregate classification (germline): Conflicting classifications of pathogenicity. Review status: criteria provided, conflicting classifications (1 of 4 stars). 2 submissions from 2 submitters: Pathogenic (1); Uncertain significance (1). Last evaluated 2026-08-12.

Conditions:
Hereditary cancer-predisposing syndrome. Also called: Hereditary Cancer Syndrome; Tumor predisposition; Neoplastic Syndromes, Hereditary; Hereditary neoplastic syndrome. Identifiers: Orphanet 140162, MedGen C0027672, MeSH D009386, MONDO:0015356.
BAP1-related tumor predisposition syndrome (TPDS1). Also called: COMMON Syndrome; TUMOR PREDISPOSITION SYNDROME 1; BAP1 tumor predisposition syndrome; Tumor susceptibility linked to germline BAP1 mutations. Identifiers: Orphanet 289539, MedGen C3280492, MONDO:0013692, OMIM 614327.

Submissions (3):

Ambry Genetics
Classification: Uncertain significance for Hereditary cancer-predisposing syndrome. Last evaluated: 2026-08-12. Review status: criteria provided, single submitter. Criteria: Ambry Variant Classification Scheme 2023. Collection method: clinical testing. Allele origin: germline.
Comment: The c.1730-1G>C intronic variant results from a G to C substitution one nucleotide upstream from coding exon 14 of the BAP1 gene. This nucleotide position is well conserved in available vertebrate species. In silico splice site analysis predicts that this alteration will weaken the native splice acceptor site and will result in the creation or strengthening of a novel splice acceptor site. RNA studies have demonstrated that this variant results in a splice defect; the clinical impact of this abnormal splicing is unknown at this time (Ambry internal data). Based on the available evidence, the clinical significance of this variant remains unclear.

Labcorp Genetics (formerly Invitae), Labcorp
Classification: Pathogenic for BAP1-related tumor predisposition syndrome. Last evaluated: 2025-01-15. Review status: criteria provided, single submitter. Criteria: Invitae Variant Classification Sherloc (09022015). Collection method: clinical testing. Allele origin: germline.
Comment: This sequence change affects an acceptor splice site in intron 13 of the BAP1 gene. It is expected to disrupt RNA splicing. Variants that disrupt the donor or acceptor splice site typically lead to a loss of protein function (PMID: 16199547), and loss-of-function variants in BAP1 are known to be pathogenic (PMID: 21874000, 23684012). This variant is not present in population databases (gnomAD no frequency). Disruption of this splice site has been observed in individuals with BAP1-related conditions (internal data). ClinVar contains an entry for this variant (Variation ID: 1493084). Algorithms developed to predict the effect of sequence changes on RNA splicing suggest that this variant may disrupt the consensus splice site. For these reasons, this variant has been classified as Pathogenic.

Dr. Peter K. Rogan Lab, Western University
No classification provided (evidence only). Condition: Malignant tumor of urinary bladder. Review status: no classification provided. Collection method: in vitro. Allele origin: not applicable. Functional consequence: cryptic splice site. Not counted in ClinVar's aggregate classification.

Literature cited by the submitters: PubMed 16199547 (cited by Labcorp Genetics (formerly Invitae), Labcorp); PubMed 21874000 (cited by Labcorp Genetics (formerly Invitae), Labcorp); PubMed 23684012 (cited by Labcorp Genetics (formerly Invitae), Labcorp).